The following is an entry in ClinVar:

NM_130839.5(UBE3A):c.175C>T (p.Arg59Cys)

Genes: SNHG14 (small nucleolar RNA host gene 14; plus strand), UBE3A (ubiquitin protein ligase E3A; minus strand). Cytogenetic location: 15q11.2.
Variant type: single nucleotide variant.
Coding change: c.175C>T on transcript NM_130839.5 (MANE Select); coding-DNA position 175, C replaced by T.
Protein change: p.Arg59Cys; replaces arginine 59 with cysteine.
Molecular consequence: missense variant. On other transcripts: 5 prime UTR variant (1), non-coding transcript variant (1).
Genome position (GRCh38, 1-based): chr15:25,375,651, G>A on the plus strand (C>T on the coding strand, the complement: UBE3A is on the minus strand). VCF-style: chr15-25375651-G-A. GRCh37 (hg19) VCF-style: chr15-25620798-G-A.
Other names: p.R59C:CGT>TGT; c.184C>T, p.Arg62Cys (NM_000462.5); c.175C>T, p.Arg59Cys (NM_001354505.1, NM_001354538.2, NM_001354545.2 and 1 more transcripts); c.115C>T, p.Arg39Cys (NM_001354506.2, NM_001354507.2, NM_001354508.2 and 18 more transcripts); c.-3C>T (NM_001354546.2); short protein forms R39C, R59C, R62C.
Identifiers: ClinVar variation 156621 (VCV000156621.5), dbSNP rs587783098, ClinGen allele CA294634.

ClinVar aggregate classification (germline): Uncertain significance. Review status: criteria provided, multiple submitters, no conflicts (2 of 4 stars). 2 submissions from 2 submitters: Uncertain significance (2). Last evaluated 2023-05-24.

Conditions:
Angelman syndrome (AS). Also called: HAPPY PUPPET SYNDROME. Identifiers: Orphanet 72, MedGen C0162635, MONDO:0007113, OMIM 105830. Disease mechanism: loss of function. Inheritance: AS is caused by disruption of maternally imprinted UBE3A located within the 15q11.2-q13 Angelman syndrome/Prader-Willi syndrome (AS/PWS) region., imprinting disorder.

Allele frequency attached by ClinVar (database versions not stated): gnomAD 0.00001.
gnomAD v4.1: 6 of 1,613,968 alleles (0.00037%); highest among the groups gnomAD compares: Admixed American, 0.0083%; no homozygotes.

Submissions (2):

Labcorp Genetics (formerly Invitae), Labcorp
Classification: Uncertain significance for Angelman syndrome. Last evaluated: 2023-05-24. Review status: criteria provided, single submitter. Criteria: Invitae Variant Classification Sherloc (09022015). Collection method: clinical testing. Allele origin: germline.
Comment: ClinVar contains an entry for this variant (Variation ID: 156621). In summary, the available evidence is currently insufficient to determine the role of this variant in disease. Therefore, it has been classified as a Variant of Uncertain Significance. Experimental studies have shown that this missense change does not substantially affect UBE3A function (PMID: 34815418). Advanced modeling of protein sequence and biophysical properties (such as structural, functional, and spatial information, amino acid conservation, physicochemical variation, residue mobility, and thermodynamic stability) has been performed at Invitae for this missense variant, however the output from this modeling did not meet the statistical confidence thresholds required to predict the impact of this variant on UBE3A protein function. This variant has not been reported in the literature in individuals affected with UBE3A-related conditions. This variant is present in population databases (rs587783098, gnomAD 0.009%). This sequence change replaces arginine, which is basic and polar, with cysteine, which is neutral and slightly polar, at codon 39 of the UBE3A protein (p.Arg39Cys).

GeneDx
Classification: Uncertain significance. Last evaluated: 2014-08-22. Review status: criteria provided, single submitter. Criteria: GeneDx Variant Classification (06012015). Collection method: clinical testing. Allele origin: germline. Affected: yes.
Comment: The R59C variant has not been published as a mutation, nor has it been reported as a benign polymorphism to our knowledge. It was not observed in approximately 6,500 individuals of European and African American ancestry in the NHLBI Exome Sequencing Project, indicating it is not a common benign variant in these populations. The R59C variant is a non-conservative amino acid substitution, which is likely to impact secondary protein structure as these residues differ in polarity, charge, size and/or other properties. In silico analysis predicts this variant is probably damaging to the protein structure/function. This substitution occurs at a position that is conserved among mammals; however, Cysteine is observed at this position in one mammalian species. The variant is found in CHILD-EPI panel(s).

Literature cited by the submitters: PubMed 34815418 (cited by Labcorp Genetics (formerly Invitae), Labcorp).